The following is an entry in ClinVar:

ClinVar aggregate classification (germline): Uncertain significance. Review status: criteria provided, multiple submitters, no conflicts (2 of 4 stars). 2 submissions from 2 submitters: Uncertain significance (2). Last evaluated 2023-06-21.

Conditions:
Inborn genetic diseases. Identifiers: MedGen C0950123, MeSH D030342.

Allele frequency attached by ClinVar (database versions not stated): gnomAD exomes below 0.00001.

Submissions (2):

Ambry Genetics
Classification: Uncertain significance for Inborn genetic diseases. Last evaluated: 2023-06-21. Review status: criteria provided, single submitter. Criteria: Ambry Variant Classification Scheme 2023. Collection method: clinical testing. Allele origin: germline.

Labcorp Genetics (formerly Invitae), Labcorp
Classification: Uncertain significance. Last evaluated: 2022-06-20. Review status: criteria provided, single submitter. Criteria: Invitae Variant Classification Sherloc (09022015). Collection method: clinical testing. Allele origin: germline.
Comment: This sequence change replaces valine, which is neutral and non-polar, with methionine, which is neutral and non-polar, at codon 303 of the HPS5 protein (p.Val303Met). This variant is not present in population databases (gnomAD no frequency). This variant has not been reported in the literature in individuals affected with HPS5-related conditions. Algorithms developed to predict the effect of missense changes on protein structure and function are either unavailable or do not agree on the potential impact of this missense change (SIFT: "Deleterious"; PolyPhen-2: "Possibly Damaging"; Align-GVGD: "Class C0"). In summary, the available evidence is currently insufficient to determine the role of this variant in disease. Therefore, it has been classified as a Variant of Uncertain Significance.

NM_181507.2(HPS5):c.907G>A (p.Val303Met)

Gene: HPS5 (HPS5 biogenesis of lysosomal organelles complex 2 subunit 2; minus strand). Cytogenetic location: 11p15.1.
Variant type: single nucleotide variant.
Coding change: c.907G>A on transcript NM_181507.2 (MANE Select); coding-DNA position 907, G replaced by A.
Protein change: p.Val303Met; replaces valine 303 with methionine.
Molecular consequence: missense variant.
Genome position (GRCh38, 1-based): chr11:18,300,906, C>T on the plus strand (G>A on the coding strand, the complement: HPS5 is on the minus strand). VCF-style: chr11-18300906-C-T. GRCh37 (hg19) VCF-style: chr11-18322453-C-T.
Other names: c.565G>A, p.Val189Met (NM_007216.4, NM_181508.2); short protein forms V303M, V189M.
Identifiers: ClinVar variation 1519194 (VCV001519194.7), dbSNP rs2134375537, ClinGen allele CA379499951.